The following is an entry in ClinVar:

NM_001134673.4(NFIA):c.655A>C (p.Thr219Pro)

Gene: NFIA (nuclear factor I A; plus strand). Cytogenetic location: 1p31.3.
Variant type: single nucleotide variant.
Coding change: c.655A>C on transcript NM_001134673.4 (MANE Select); coding-DNA position 655, A replaced by C.
Protein change: p.Thr219Pro; replaces threonine 219 with proline.
Molecular consequence: missense variant.
Genome position (GRCh38, 1-based): chr1:61,332,541, A>C. VCF-style: chr1-61332541-A-C. GRCh37 (hg19) VCF-style: chr1-61798213-A-C.
Other names: c.790A>C, p.Thr264Pro (NM_001145512.2); c.655A>C, p.Thr219Pro (NM_005595.5); c.631A>C, p.Thr211Pro (NM_001145511.2); short protein forms T211P, T219P, T264P.
Identifiers: ClinVar variation 1306388 (VCV001306388.6), dbSNP rs750817842, ClinGen allele CA881012.

ClinVar aggregate classification (germline): Uncertain significance. Review status: criteria provided, multiple submitters, no conflicts (2 of 4 stars). 3 submissions from 3 submitters: Uncertain significance (3). Last evaluated 2024-04-12.

Allele frequency attached by ClinVar (database versions not stated): ExAC 0.00001; gnomAD 0.00001; gnomAD exomes 0.00001; TOPMed 0.00001.
gnomAD v4.1: 7 of 1,613,948 alleles (0.00043%); highest among the groups gnomAD compares: Non-Finnish European, 0.00051%; no homozygotes.

Submissions (3):

Labcorp Genetics (formerly Invitae), Labcorp
Classification: Uncertain significance. Last evaluated: 2024-04-12. Review status: criteria provided, single submitter. Criteria: Invitae Variant Classification Sherloc (09022015). Collection method: clinical testing. Allele origin: germline.
Comment: This sequence change replaces threonine, which is neutral and polar, with proline, which is neutral and non-polar, at codon 219 of the NFIA protein (p.Thr219Pro). This variant is present in population databases (rs750817842, gnomAD 0.003%). This variant has not been reported in the literature in individuals affected with NFIA-related conditions. ClinVar contains an entry for this variant (Variation ID: 1306388). An algorithm developed to predict the effect of missense changes on protein structure and function (PolyPhen-2) suggests that this variant is likely to be disruptive. In summary, the available evidence is currently insufficient to determine the role of this variant in disease. Therefore, it has been classified as a Variant of Uncertain Significance.

Institute for Clinical Genetics, University Hospital TU Dresden, University Hospital TU Dresden
Classification: Uncertain significance. Last evaluated: 2021-11-03. Review status: criteria provided, single submitter. Criteria: ACMG Guidelines, 2015. Collection method: clinical testing. Allele origin: germline.

GeneDx
Classification: Uncertain significance. Last evaluated: 2019-06-07. Review status: criteria provided, single submitter. Criteria: GeneDx Variant Classification Process June 2021. Collection method: clinical testing. Allele origin: germline. Affected: yes.
Comment: Has not been previously published as pathogenic or benign to our knowledge; Not observed at a significant frequency in large population cohorts (Lek et al., 2016); In silico analysis, which includes protein predictors and evolutionary conservation, supports a deleterious effect